The following is an entry in ClinVar:

NM_001367823.1(ARHGEF18):c.2497G>A (p.Glu833Lys)

Gene: ARHGEF18 (Rho/Rac guanine nucleotide exchange factor 18; plus strand). Cytogenetic location: 19p13.2.
Variant type: single nucleotide variant.
Coding change: c.2497G>A on transcript NM_001367823.1 (MANE Select); coding-DNA position 2497, G replaced by A.
Protein change: p.Glu833Lys; replaces glutamic acid 833 with lysine.
Molecular consequence: missense variant.
Genome position (GRCh38, 1-based): chr19:7,462,196, G>A. VCF-style: chr19-7462196-G-A. GRCh37 (hg19) VCF-style: chr19-7527082-G-A.
Other names: c.1771G>A, p.Glu591Lys (NM_001130955.2); c.1459G>A, p.Glu487Lys (NM_001367824.1, NM_015318.4); short protein forms E833K, E487K, E591K.
Identifiers: ClinVar variation 1042261 (VCV001042261.8), dbSNP rs1305839987, ClinGen allele CA403081004.
Genomic context (GRCh38, chr19:7,462,196, plus strand): 5'-CACCATCACTCTGCAGAGCGGTTGAGCATGAAAGACCAGCTGATCGCACAGAGCCTCCTA[G>A]AGAAACAGCAGATCTACCTGGAGATGGCCGAGATGGGCGGCCTCGAAGACCTGCCCCAGC-3'
Protein context (NP_001354752.1, residues 823-843): KDQLIAQSLL[Glu833Lys]KQQIYLEMAE

ClinVar aggregate classification (germline): Uncertain significance (1 of 4 stars; one submission).

Allele frequency attached by ClinVar (database versions not stated): gnomAD exomes below 0.00001; TOPMed below 0.00001; gnomAD 0.00001.
gnomAD v4.1: 3 of 1,613,904 alleles (0.00019%); highest among the groups gnomAD compares: African/African-American, 0.0027%; no homozygotes.

Submission:

Labcorp Genetics (formerly Invitae), Labcorp
Classification: Uncertain significance. Last evaluated: 2024-03-11. Review status: criteria provided, single submitter. Criteria: Invitae Variant Classification Sherloc (09022015). Collection method: clinical testing. Allele origin: germline.
Comment: This sequence change replaces glutamic acid, which is acidic and polar, with lysine, which is basic and polar, at codon 645 of the ARHGEF18 protein (p.Glu645Lys). This variant is present in population databases (no rsID available, gnomAD 0.007%). This variant has not been reported in the literature in individuals affected with ARHGEF18-related conditions. ClinVar contains an entry for this variant (Variation ID: 1042261). An algorithm developed to predict the effect of missense changes on protein structure and function (PolyPhen-2) suggests that this variant is likely to be disruptive. In summary, the available evidence is currently insufficient to determine the role of this variant in disease. Therefore, it has been classified as a Variant of Uncertain Significance.